The following is an entry in ClinVar:

NM_014806.5(RUSC2):c.2400G>A (p.Ser800=)

Gene: RUSC2 (RUN and SH3 domain containing 2; plus strand). Cytogenetic location: 9p13.3.
Variant type: single nucleotide variant.
Coding change: c.2400G>A on transcript NM_014806.5 (MANE Select); coding-DNA position 2400, G replaced by A.
Protein change: p.Ser800=; no amino-acid change (serine 800 retained).
Molecular consequence: synonymous variant. On other transcripts: 5 prime UTR variant (1), non-coding transcript variant (1).
Genome position (GRCh38, 1-based): chr9:35,555,445, G>A. VCF-style: chr9-35555445-G-A. GRCh37 (hg19) VCF-style: chr9-35555442-G-A.
Other names: c.2400G>A (NM_001135999.1); c.2400G>A, p.Ser800= (NM_001135999.2); c.-235G>A (NM_001330740.2).
Identifiers: ClinVar variation 2695841 (VCV002695841.5), dbSNP rs142568379, ClinGen allele CA5043856.
Genomic context (GRCh38, chr9:35,555,445, plus strand): 5'-CTCCCCCATCCGGAGTGTTGGCCCCTTTGGGCCCAGCACTGACTCTTCTGCCTCCACTTC[G>A]TGCTCCCCTCCCCCAGAGCAGCCCACAGCCACAGAAAGCCTGCCCCCATGGAGCCACTCC-3'
Protein context (NP_055621.2, residues 790-810): GPSTDSSAST[Ser800=]CSPPPEQPTA

ClinVar aggregate classification (germline): Likely benign. Review status: criteria provided, single submitter (1 of 4 stars). 2 submissions from 2 submitters: Likely benign (1). 1 of the submissions does not count toward it. Last evaluated 2025-11-05.

Conditions:
RUSC2-related disorder. Also called: RUSC2-related condition.

Allele frequency attached by ClinVar (database versions not stated): ESP Exome Variant Server 0.00008; TOPMed 0.00004; ExAC 0.00005; gnomAD exomes 0.00008; gnomAD 0.00003.
gnomAD v4.1: 117 of 1,614,062 alleles (0.0072%); highest among the groups gnomAD compares: Middle Eastern, 0.016%; no homozygotes.

Submissions (2):

Labcorp Genetics (formerly Invitae), Labcorp
Classification: Likely benign. Last evaluated: 2025-11-05. Review status: criteria provided, single submitter. Criteria: Invitae Variant Classification Sherloc (09022015). Collection method: clinical testing. Allele origin: germline.

PreventionGenetics, part of Exact Sciences
Classification: Likely benign for RUSC2-related condition. Last evaluated: 2019-03-20. Review status: no assertion criteria provided. Collection method: clinical testing. Allele origin: germline. Not counted in ClinVar's aggregate classification.
Comment: This variant is classified as likely benign based on ACMG/AMP sequence variant interpretation guidelines (Richards et al. 2015 PMID: 25741868, with internal and published modifications).